The following is an entry in ClinVar:

NM_001199397.3(NEK1):c.665C>T (p.Pro222Leu)

Gene: NEK1 (NIMA related kinase 1; minus strand). Cytogenetic location: 4q33.
Variant type: single nucleotide variant.
Coding change: c.665C>T on transcript NM_001199397.3 (MANE Select); coding-DNA position 665, C replaced by T.
Protein change: p.Pro222Leu; replaces proline 222 with leucine.
Molecular consequence: missense variant. On other transcripts: non-coding transcript variant (2).
Genome position (GRCh38, 1-based): chr4:169,585,491, G>A on the plus strand (C>T on the coding strand, the complement: NEK1 is on the minus strand). VCF-style: chr4-169585491-G-A. GRCh37 (hg19) VCF-style: chr4-170506642-G-A.
Other names: c.665C>T, p.Pro222Leu (NM_001199398.3, NM_001199399.3, NM_001199400.3 and 7 more transcripts); short protein forms P222L.
Identifiers: ClinVar variation 3878722 (VCV003878722.2).

ClinVar aggregate classification (germline): Uncertain significance. Review status: criteria provided, multiple submitters, no conflicts (2 of 4 stars). 2 submissions from 2 submitters: Uncertain significance (2). Last evaluated 2025-12-20.

Conditions:
Inborn genetic diseases. Identifiers: MedGen C0950123, MeSH D030342.
Short-rib thoracic dysplasia 6 with or without polydactyly (SRTD6). Also called: SHORT RIB-POLYDACTYLY SYNDROME, TYPE IIA; POLYDACTYLY WITH NEONATAL CHONDRODYSTROPHY, TYPE II; SHORT-RIB THORACIC DYSPLASIA 6 WITHOUT POLYDACTYLY; Majewski Syndrome; SHORT-RIB THORACIC DYSPLASIA 6 WITH POLYDACTYLY. Identifiers: MedGen C0024507, MONDO:0009894, OMIM 263520.

gnomAD v4.1: 1 of 1,613,480 alleles (0.000062%); no homozygotes.

Submissions (2):

Labcorp Genetics (formerly Invitae), Labcorp
Classification: Uncertain significance for Short-rib thoracic dysplasia 6 with or without polydactyly. Last evaluated: 2025-12-20. Review status: criteria provided, single submitter. Criteria: Invitae Variant Classification Sherloc (09022015). Collection method: clinical testing. Allele origin: germline.
Comment: This sequence change replaces proline, which is neutral and non-polar, with leucine, which is neutral and non-polar, at codon 222 of the NEK1 protein (p.Pro222Leu). This variant is not present in population databases (gnomAD no frequency). This variant has not been reported in the literature in individuals affected with NEK1-related conditions. ClinVar contains an entry for this variant (Variation ID: 3878722). An algorithm developed to predict the effect of missense changes on protein structure and function (PolyPhen-2) suggests that this variant is likely to be disruptive. In summary, the available evidence is currently insufficient to determine the role of this variant in disease. Therefore, it has been classified as a Variant of Uncertain Significance.

Ambry Genetics
Classification: Uncertain significance for Inborn genetic diseases. Last evaluated: 2025-02-19. Review status: criteria provided, single submitter. Criteria: Ambry Variant Classification Scheme 2023. Collection method: clinical testing. Allele origin: germline.